The following is an entry in ClinVar:

NM_003924.4(PHOX2B):c.667G>T (p.Ala223Ser)

Gene: PHOX2B (paired like homeobox 2B; minus strand). Cytogenetic location: 4p13.
Variant type: single nucleotide variant.
Coding change: c.667G>T on transcript NM_003924.4 (MANE Select); coding-DNA position 667, G replaced by T.
Protein change: p.Ala223Ser; replaces alanine 223 with serine.
Molecular consequence: missense variant.
Genome position (GRCh38, 1-based): chr4:41,746,085, C>A on the plus strand (G>T on the coding strand, the complement: PHOX2B is on the minus strand). VCF-style: chr4-41746085-C-A. GRCh37 (hg19) VCF-style: chr4-41748102-C-A.
Other names: short protein forms A223S.
Identifiers: ClinVar variation 535765 (VCV000535765.11), dbSNP rs747713899, ClinGen allele CA2901458.
Genomic context (GRCh38, chr4:41,746,085, plus strand): 5'-CTGCTGCGCCGCCCTTGCCGGGTTCGCCTCCCGGGCCCCCGGGCCCCGCCGCCCCCGGAG[C>A]TCCAGCCGGGCTGGGCCCGCCGCCGCCGCCTCCATTCGCCCCGCAGCTGGGGGTGGGGTT-3'
Protein context (NP_003915.2, residues 213-233): GGGGGPSPAG[Ala223Ser]PGAAGPGGPG

ClinVar aggregate classification (germline): Conflicting classifications of pathogenicity. Review status: criteria provided, conflicting classifications (1 of 4 stars). 2 submissions from 2 submitters: Uncertain significance (1); Benign (1). Last evaluated 2023-11-29.

Conditions:
Hereditary cancer-predisposing syndrome. Also called: Neoplastic Syndromes, Hereditary; Tumor predisposition; Hereditary Cancer Syndrome; Hereditary neoplastic syndrome. Identifiers: Orphanet 140162, MedGen C0027672, MeSH D009386, MONDO:0015356.
Haddad syndrome (OHD). Also called: Ondine-Hirschsprung disease. Identifiers: Orphanet 99803, MedGen C1859049, MONDO:0020493.

Allele frequency attached by ClinVar (database versions not stated): gnomAD exomes below 0.00001 and 0.00001; TOPMed below 0.00001; ExAC 0.00002.

Submissions (2):

Ambry Genetics
Classification: Benign for Hereditary cancer-predisposing syndrome. Last evaluated: 2023-11-29. Review status: criteria provided, single submitter. Criteria: Ambry Variant Classification Scheme 2023. Collection method: clinical testing. Allele origin: germline.

Labcorp Genetics (formerly Invitae), Labcorp
Classification: Uncertain significance for Haddad syndrome. Last evaluated: 2020-05-26. Review status: criteria provided, single submitter. Criteria: Invitae Variant Classification Sherloc (09022015). Collection method: clinical testing. Allele origin: germline.
Comment: In summary, the available evidence is currently insufficient to determine the role of this variant in disease. Therefore, it has been classified as a Variant of Uncertain Significance. Algorithms developed to predict the effect of missense changes on protein structure and function (SIFT, PolyPhen-2, Align-GVGD) all suggest that this variant is likely to be tolerated, but these predictions have not been confirmed by published functional studies and their clinical significance is uncertain. This variant has not been reported in the literature in individuals with PHOX2B-related conditions. ClinVar contains an entry for this variant (Variation ID: 535765). This variant is present in population databases (rs747713899, ExAC 0.02%). This sequence change replaces alanine with serine at codon 223 of the PHOX2B protein (p.Ala223Ser). The alanine residue is moderately conserved and there is a moderate physicochemical difference between alanine and serine.